The following is an entry in ClinVar:

ClinVar aggregate classification (germline): Likely benign. Review status: criteria provided, multiple submitters, no conflicts (2 of 4 stars). 2 submissions from 2 submitters: Likely benign (2). Last evaluated 2024-11-26.

Conditions:
TRIM28-related disorder. Also called: TRIM28-related condition.

gnomAD v4.1: 10 of 1,614,092 alleles (0.00062%); highest among the groups gnomAD compares: Non-Finnish European, 0.00085%; no homozygotes.

Submissions (2):

PreventionGenetics, part of Exact Sciences
Classification: Likely benign for TRIM28-related condition. Last evaluated: 2024-11-26. Review status: criteria provided, single submitter. Criteria: ACMG Guidelines, 2015. Collection method: clinical testing. Allele origin: germline.
Comment: This variant is classified as likely benign based on ACMG/AMP sequence variant interpretation guidelines (Richards et al. 2015 PMID: 25741868, with internal and published modifications).

Labcorp Genetics (formerly Invitae), Labcorp
Classification: Likely benign. Last evaluated: 2024-02-13. Review status: criteria provided, single submitter. Criteria: Invitae Variant Classification Sherloc (09022015). Collection method: clinical testing. Allele origin: germline.

NM_005762.3(TRIM28):c.2286C>T (p.Ala762=)

Gene: TRIM28 (tripartite motif containing 28; plus strand). Cytogenetic location: 19q13.43.
Variant type: single nucleotide variant.
Coding change: c.2286C>T on transcript NM_005762.3 (MANE Select); coding-DNA position 2286, C replaced by T.
Protein change: p.Ala762=; no amino-acid change (alanine 762 retained).
Molecular consequence: synonymous variant.
Genome position (GRCh38, 1-based): chr19:58,550,239, C>T. VCF-style: chr19-58550239-C-T. GRCh37 (hg19) VCF-style: chr19-59061606-C-T.
Other names: c.2286C>T (NM_005762.2).
Identifiers: ClinVar variation 3631001 (VCV003631001.3).
Genomic context (GRCh38, chr19:58,550,239, plus strand): 5'-GATCCGTGCCCGCCTCCAGGAGAAGTTGTCACCTCCCTACAGCTCCCCACAGGAGTTTGC[C>T]CAGGATGTGGGCCGCATGTTCAAGCAATTCAACAAGTTAACTGAGGTGAGCCAGTGGAAT-3'
Protein context (NP_005753.1, residues 752-772): SPPYSSPQEF[Ala762=]QDVGRMFKQF